The following is an entry in ClinVar:

ClinVar aggregate classification (germline): Uncertain significance. Review status: criteria provided, multiple submitters, no conflicts (2 of 4 stars). 2 submissions from 2 submitters: Uncertain significance (2). Last evaluated 2023-03-31.

Conditions:
Inborn genetic diseases. Identifiers: MedGen C0950123, MeSH D030342.
Bardet-Biedl syndrome (BBS). Identifiers: Orphanet 110, MedGen C0752166, MONDO:0015229.

Allele frequency attached by ClinVar (database versions not stated): gnomAD exomes below 0.00001 and 0.00001; TOPMed below 0.00001; ExAC 0.00001.
gnomAD v4.1: 10 of 1,614,170 alleles (0.00062%); highest among the groups gnomAD compares: Non-Finnish European, 0.00085%; no homozygotes.

Submissions (2):

Ambry Genetics
Classification: Uncertain significance for Inborn genetic diseases. Last evaluated: 2023-03-31. Review status: criteria provided, single submitter. Criteria: Ambry Variant Classification Scheme 2023. Collection method: clinical testing. Allele origin: germline.

Labcorp Genetics (formerly Invitae), Labcorp
Classification: Uncertain significance for Bardet-Biedl syndrome. Last evaluated: 2022-05-06. Review status: criteria provided, single submitter. Criteria: Invitae Variant Classification Sherloc (09022015). Collection method: clinical testing. Allele origin: germline.
Comment: This sequence change replaces leucine, which is neutral and non-polar, with isoleucine, which is neutral and non-polar, at codon 343 of the BBS4 protein (p.Leu343Ile). This variant is present in population databases (rs758032659, gnomAD 0.0009%). This variant has not been reported in the literature in individuals affected with BBS4-related conditions. ClinVar contains an entry for this variant (Variation ID: 1022617). Algorithms developed to predict the effect of missense changes on protein structure and function are either unavailable or do not agree on the potential impact of this missense change (SIFT: "Tolerated"; PolyPhen-2: "Possibly Damaging"; Align-GVGD: "Class C0"). In summary, the available evidence is currently insufficient to determine the role of this variant in disease. Therefore, it has been classified as a Variant of Uncertain Significance.

NM_033028.5(BBS4):c.1027C>A (p.Leu343Ile)

Gene: BBS4 (Bardet-Biedl syndrome 4; plus strand). Cytogenetic location: 15q24.1.
Variant type: single nucleotide variant.
Coding change: c.1027C>A on transcript NM_033028.5 (MANE Select); coding-DNA position 1027, C replaced by A.
Protein change: p.Leu343Ile; replaces leucine 343 with isoleucine.
Molecular consequence: missense variant. On other transcripts: non-coding transcript variant (2).
Genome position (GRCh38, 1-based): chr15:72,731,717, C>A. VCF-style: chr15-72731717-C-A. GRCh37 (hg19) VCF-style: chr15-73024058-C-A.
Other names: c.511C>A, p.Leu171Ile (NM_001252678.2); c.958C>A, p.Leu320Ile (NM_001320665.2); c.1027C>A (NM_033028.3); short protein forms L171I, L320I, L343I.
Identifiers: ClinVar variation 1022617 (VCV001022617.7), dbSNP rs758032659, ClinGen allele CA7646855.